The following is an entry in ClinVar:

ClinVar aggregate classification (germline): Uncertain significance (1 of 4 stars; one submission).

Conditions:
Nephronophthisis 16 (NPHP16). Identifiers: Orphanet 655, MedGen C3809320, MONDO:0014158, OMIM 615382.

Submission:

Labcorp Genetics (formerly Invitae), Labcorp
Classification: Uncertain significance for Nephronophthisis 16. Last evaluated: 2025-04-01. Review status: criteria provided, single submitter. Criteria: Invitae Variant Classification Sherloc (09022015). Collection method: clinical testing. Allele origin: germline.
Comment: This sequence change replaces glutamic acid, which is acidic and polar, with lysine, which is basic and polar, at codon 409 of the ANKS6 protein (p.Glu409Lys). This variant is not present in population databases (gnomAD no frequency). This variant has not been reported in the literature in individuals affected with ANKS6-related conditions. An algorithm developed to predict the effect of missense changes on protein structure and function (PolyPhen-2) suggests that this variant is likely to be disruptive. In summary, the available evidence is currently insufficient to determine the role of this variant in disease. Therefore, it has been classified as a Variant of Uncertain Significance.

NM_173551.5(ANKS6):c.1225G>A (p.Glu409Lys)

Gene: ANKS6 (ankyrin repeat and sterile alpha motif domain containing 6; minus strand). Cytogenetic location: 9q22.33.
Variant type: single nucleotide variant.
Coding change: c.1225G>A on transcript NM_173551.5 (MANE Select); coding-DNA position 1225, G replaced by A.
Protein change: p.Glu409Lys; replaces glutamic acid 409 with lysine.
Molecular consequence: missense variant.
Genome position (GRCh38, 1-based): chr9:98,780,332, C>T on the plus strand (G>A on the coding strand, the complement: ANKS6 is on the minus strand). VCF-style: chr9-98780332-C-T. GRCh37 (hg19) VCF-style: chr9-101542614-C-T.
Other names: short protein forms E409K.
Identifiers: ClinVar variation 4739087 (VCV004739087.1).